The following is an entry in ClinVar:

ClinVar aggregate classification (germline): Pathogenic. Review status: criteria provided, multiple submitters, no conflicts (2 of 4 stars). 3 submissions from 3 submitters: Pathogenic (3). Last evaluated 2026-03-05.

Conditions:
Myopathy caused by variation in FKRP. Identifiers: MedGen CN305637, MONDO:0700066.
Walker-Warburg congenital muscular dystrophy. Also called: Muscular dystrophy-dystroglycanopathy, type A; Walker-Warburg syndrome. Identifiers: Orphanet 899, MedGen C0265221, MONDO:0000171.
Muscular dystrophy-dystroglycanopathy (congenital with brain and eye anomalies), type A5. Also called: WALKER-WARBURG SYNDROME OR MUSCLE-EYE-BRAIN DISEASE, FKRP-RELATED; MUSCULAR DYSTROPHY-DYSTROGLYCANOPATHY (CONGENITAL WITH BRAIN AND EYE ANOMALIES), TYPE A, 5. Identifiers: Orphanet 588, Orphanet 899, MedGen C3150413, MONDO:0013157, OMIM 613153.

Submissions (3):

Myriad Genetics, Inc.
Classification: Pathogenic for Myopathy caused by variation in FKRP. Last evaluated: 2026-03-05. Review status: criteria provided, single submitter. Criteria: Myriad Autosomal Dominant, Autosomal Recessive and X-Linked Classification Criteria (2023). Collection method: clinical testing. Allele origin: unknown.
Comment: NM_024301.4(FKRP):c.447_451del5(A150Kfs*107) is a frameshift variant classified as pathogenic in the context of FKRP-related disorders. A150Kfs*107 has been observed in a case with relevant disease (PMID: 25987458). Relevant functional assessments of this variant are not available in the literature. A150Kfs*107 has not been observed in referenced population frequency databases. In summary, NM_024301.4(FKRP):c.447_451del5(A150Kfs*107) is a frameshift variant in a gene where loss of function is a known mechanism of disease, is predicted to disrupt protein function, and has been observed more frequently in cases with the relevant disease than in healthy populations. Please note: this variant was assessed in the context of healthy population screening.

Baylor Genetics
Classification: Pathogenic for Muscular dystrophy-dystroglycanopathy (congenital with brain and eye anomalies), type A5. Last evaluated: 2022-06-21. Review status: criteria provided, single submitter. Criteria: ACMG Guidelines, 2015. Collection method: clinical testing. Allele origin: unknown.

Labcorp Genetics (formerly Invitae), Labcorp
Classification: Pathogenic for Walker-Warburg congenital muscular dystrophy. Last evaluated: 2022-04-28. Review status: criteria provided, single submitter. Criteria: Invitae Variant Classification Sherloc (09022015). Collection method: clinical testing. Allele origin: germline.
Comment: For these reasons, this variant has been classified as Pathogenic. This variant disrupts a region of the FKRP protein in which other variant(s) (p.Ile478Thr) have been determined to be pathogenic (PMID: 16476814, 18639457, 19299310). This suggests that this is a clinically significant region of the protein, and that variants that disrupt it are likely to be disease-causing. This variant is also known as c.446_450delGCGCA, p.Arg149Argfs*108. This premature translational stop signal has been observed in individual(s) with clinical features of FKRP-associated conditions (PMID: 25987458). This variant is not present in population databases (gnomAD no frequency). This sequence change creates a premature translational stop signal (p.Ala150Lysfs*107) in the FKRP gene. While this is not anticipated to result in nonsense mediated decay, it is expected to disrupt the last 346 amino acid(s) of the FKRP protein.

Literature cited by the submitters: PubMed 25987458 (cited by Myriad Genetics, Inc. and Labcorp Genetics (formerly Invitae), Labcorp); PubMed 16476814 (cited by Labcorp Genetics (formerly Invitae), Labcorp); PubMed 18639457 (cited by Labcorp Genetics (formerly Invitae), Labcorp); PubMed 19299310 (cited by Labcorp Genetics (formerly Invitae), Labcorp).

NM_024301.5(FKRP):c.447_451del (p.Ala150fs)

Gene: FKRP (fukutin related protein; plus strand). Cytogenetic location: 19q13.32.
Variant type: Deletion.
Coding change: c.447_451del on transcript NM_024301.5 (MANE Select); coding-DNA positions 447 to 451, 5 bases deleted (CGCAG; older notation c.447_451delCGCAG).
Protein change: p.Ala150fs; shifts the reading frame from alanine 150.
Molecular consequence: frameshift variant.
Genome position (GRCh38, 1-based): chr19:46,755,897-46,755,901, CGCAG deleted; deleting any 5 consecutive bases within chr19:46,755,896-46,755,901 gives the same sequence; the c. name uses the placement nearest the transcript's 3' end. VCF-style (leftmost placement, unchanged base first): chr19-46755895-CGCGCA-C. GRCh37 (hg19) VCF-style: chr19-47259152-CGCGCA-C.
Other names: c.447_451del, p.Ala150fs (NM_001039885.3); short protein forms A150fs.
Identifiers: ClinVar variation 2138310 (VCV002138310.6), dbSNP rs2513988364, ClinGen allele CA2580097436.